The following is an entry in ClinVar:

NM_000363.5(TNNI3):c.74A>G (p.Asn25Ser)

Gene: TNNI3 (troponin I3, cardiac type; minus strand). Cytogenetic location: 19q13.42.
Variant type: single nucleotide variant.
Coding change: c.74A>G on transcript NM_000363.5 (MANE Select); coding-DNA position 74, A replaced by G.
Protein change: p.Asn25Ser; replaces asparagine 25 with serine.
Molecular consequence: missense variant.
Genome position (GRCh38, 1-based): chr19:55,157,084, T>C on the plus strand (A>G on the coding strand, the complement: TNNI3 is on the minus strand). VCF-style: chr19-55157084-T-C. GRCh37 (hg19) VCF-style: chr19-55668452-T-C.
Other names: short protein forms N25S.
Identifiers: ClinVar variation 2663581 (VCV002663581.1), dbSNP rs1555864368, ClinGen allele CA407443029.

ClinVar aggregate classification (germline): Uncertain significance (1 of 4 stars; one submission).

gnomAD v4.1: 1 of 1,602,118 alleles (0.000062%); no homozygotes.

Submission:

GeneDx
Classification: Uncertain significance. Last evaluated: 2023-05-18. Review status: criteria provided, single submitter. Criteria: GeneDx Variant Classification Process June 2021. Collection method: clinical testing. Allele origin: germline. Affected: yes.
Comment: Has not been previously published as pathogenic or benign to our knowledge; Not observed at significant frequency in large population cohorts (gnomAD); In silico analysis supports that this missense variant does not alter protein structure/function